The following is an entry in ClinVar:

NM_002439.5(MSH3):c.2489C>A (p.Thr830Asn)

Gene: MSH3 (mutS homolog 3; plus strand). Cytogenetic location: 5q14.1.
Variant type: single nucleotide variant.
Coding change: c.2489C>A on transcript NM_002439.5 (MANE Select); coding-DNA position 2489, C replaced by A.
Protein change: p.Thr830Asn; replaces threonine 830 with asparagine.
Molecular consequence: missense variant.
Genome position (GRCh38, 1-based): chr5:80,787,618, C>A. VCF-style: chr5-80787618-C-A. GRCh37 (hg19) VCF-style: chr5-80083437-C-A.
Other names: c.2489C>A (NM_002439.3); short protein forms T830N.
Identifiers: ClinVar variation 850596 (VCV000850596.11), dbSNP rs1744532327, ClinGen allele CA360283221.

ClinVar aggregate classification (germline): Uncertain significance. Review status: criteria provided, multiple submitters, no conflicts (2 of 4 stars). 3 submissions from 3 submitters: Uncertain significance (3). Last evaluated 2024-12-21.

Conditions:
Hereditary cancer-predisposing syndrome. Also called: Tumor predisposition; Neoplastic Syndromes, Hereditary; Hereditary neoplastic syndrome; Hereditary Cancer Syndrome. Identifiers: Orphanet 140162, MedGen C0027672, MeSH D009386, MONDO:0015356.
Endometrial carcinoma. Also called: Endometrial carcinoma, somatic. Identifiers: MedGen C0476089, MONDO:0002447, OMIM 608089, HP:0012114.

Submissions (3):

Labcorp Genetics (formerly Invitae), Labcorp
Classification: Uncertain significance. Last evaluated: 2024-12-21. Review status: criteria provided, single submitter. Criteria: Invitae Variant Classification Sherloc (09022015). Collection method: clinical testing. Allele origin: germline.
Comment: This sequence change replaces threonine, which is neutral and polar, with asparagine, which is neutral and polar, at codon 830 of the MSH3 protein (p.Thr830Asn). This variant is not present in population databases (gnomAD no frequency). This variant has not been reported in the literature in individuals affected with MSH3-related conditions. ClinVar contains an entry for this variant (Variation ID: 850596). An algorithm developed to predict the effect of missense changes on protein structure and function (PolyPhen-2) suggests that this variant is likely to be tolerated. In summary, the available evidence is currently insufficient to determine the role of this variant in disease. Therefore, it has been classified as a Variant of Uncertain Significance.

Ambry Genetics
Classification: Uncertain significance for Hereditary cancer-predisposing syndrome. Last evaluated: 2024-08-02. Review status: criteria provided, single submitter. Criteria: Ambry Variant Classification Scheme 2023. Collection method: clinical testing. Allele origin: germline.
Comment: The p.T830N variant (also known as c.2489C>A), located in coding exon 18 of the MSH3 gene, results from a C to A substitution at nucleotide position 2489. The threonine at codon 830 is replaced by asparagine, an amino acid with similar properties. This amino acid position is well conserved in available vertebrate species. In addition, the in silico prediction for this alteration is inconclusive. Based on the available evidence, the clinical significance of this variant remains unclear.

Baylor Genetics
Classification: Uncertain significance for Endometrial carcinoma. Last evaluated: 2023-12-01. Review status: criteria provided, single submitter. Criteria: ACMG Guidelines, 2015. Collection method: clinical testing. Allele origin: unknown.